The following is an entry in ClinVar:

NM_005359.6(SMAD4):c.1547dup (p.Ser517fs)

Gene: SMAD4 (SMAD family member 4; plus strand). Cytogenetic location: 18q21.2.
Variant type: Duplication.
Coding change: c.1547dup on transcript NM_005359.6 (MANE Select); coding-DNA position 1547, one base duplicated (A; older notation c.1547dupA).
Protein change: p.Ser517fs; shifts the reading frame from serine 517.
Molecular consequence: frameshift variant.
Genome position (GRCh38, 1-based): chr18:51,078,355, A duplicated. VCF-style (leftmost placement, unchanged base first): chr18-51078354-C-CA. GRCh37 (hg19) VCF-style: chr18-48604724-C-CA.
Other names: c.1547dupA (NM_005359.5); short protein forms S517fs.
Identifiers: ClinVar variation 156513 (VCV000156513.15), dbSNP rs587783060, ClinGen allele CA270878.

ClinVar aggregate classification (germline): Pathogenic. Review status: criteria provided, multiple submitters, no conflicts (2 of 4 stars). 4 submissions from 4 submitters: Pathogenic (3). 1 of the submissions does not count toward it. Last evaluated 2025-04-21.

Conditions:
Juvenile polyposis syndrome (JPS). Identifiers: Orphanet 2929, MedGen C0345893, MONDO:0017380, OMIM 174900.
Hereditary cancer-predisposing syndrome. Also called: Tumor predisposition; Neoplastic Syndromes, Hereditary; Hereditary neoplastic syndrome; Hereditary Cancer Syndrome. Identifiers: Orphanet 140162, MedGen C0027672, MeSH D009386, MONDO:0015356.
Familial thoracic aortic aneurysm and aortic dissection (TAAD). Also called: Thoracic aortic aneurysms and dissections. Identifiers: Orphanet 91387, MedGen C4707243, MONDO:0019625.
Generalized juvenile polyposis/juvenile polyposis coli. Also called: Juvenile polyposis coli. Identifiers: Orphanet 329971, MedGen C1868081, MONDO:0008276.

Submissions (4):

GeneDx
Classification: Pathogenic. Last evaluated: 2025-04-21. Review status: criteria provided, single submitter. Criteria: GeneDx Variant Classification Process June 2021. Collection method: clinical testing. Allele origin: germline. Affected: yes.
Comment: Frameshift variant predicted to result in abnormal protein length as the last 36 amino acid(s) are replaced with 9 different amino acid(s), and other similar variants have been reported in HGMD; Not observed at significant frequency in large population cohorts (gnomAD); Has not been previously published as pathogenic or benign to our knowledge; This variant is associated with the following publications: (PMID: 18823382, 15235019, 17873119, 18355998)

Labcorp Genetics (formerly Invitae), Labcorp
Classification: Pathogenic for Juvenile polyposis syndrome. Last evaluated: 2018-10-25. Review status: criteria provided, single submitter. Criteria: Invitae Variant Classification Sherloc (09022015). Collection method: clinical testing. Allele origin: germline.
Comment: For these reasons, this variant has been classified as Pathogenic. A different truncation (p.His530Thrfs*47) that lies downstream of this variant has been determined to be pathogenic (PMID: 18178612, Invitae). This suggests that deletion of this region of the SMAD4 protein is causative of disease. This variant has not been reported in the literature in individuals with SMAD4-related disease. ClinVar contains an entry for this variant (Variation ID: 156513). This variant is not present in population databases (ExAC no frequency). This sequence change results in a premature translational stop signal in the SMAD4 gene (p.Ser517Glufs*10). While this is not anticipated to result in nonsense mediated decay, it is expected to disrupt the last 36 amino acids of the SMAD4 protein.

Ambry Genetics
Classification: Pathogenic for Hereditary cancer-predisposing syndrome; Familial thoracic aortic aneurysm and aortic dissection. Last evaluated: 2014-09-08. Review status: criteria provided, single submitter. Criteria: Ambry Variant Classification Scheme 2023. Collection method: clinical testing. Allele origin: germline.
Comment: The c.1547dupA pathogenic mutation, located in coding exon 11 of the SMAD4 gene, results from a duplication of A at nucleotide position 1547, causing a translational frameshift with a predicted alternate stop codon. Since frameshifts are typically deleterious in nature, this alteration is interpreted as a disease-causing mutation (ACMG Recommendations for Standards for Interpretation and Reporting of Sequence Variations. Revision 2007. Genet Med. 2008;10:294).

Pathway Genomics
Classification: Pathogenic for Juvenile polyposis syndrome. Last evaluated: 2014-07-24. Review status: no assertion criteria provided. Collection method: clinical testing. Allele origin: germline. Not counted in ClinVar's aggregate classification.

Literature cited by the submitters: PubMed 18178612 (cited by Labcorp Genetics (formerly Invitae), Labcorp); PubMed 17873119 (cited by Pathway Genomics); PubMed 23399955 (cited by Pathway Genomics); PubMed 15235019 (cited by Pathway Genomics); PubMed 14526373 (cited by Pathway Genomics); PubMed 16436638 (cited by Pathway Genomics); PubMed 20101697 (cited by Pathway Genomics); PubMed 10764709 (cited by Pathway Genomics); PubMed 18355998 (cited by Pathway Genomics); PubMed 18823382 (cited by Pathway Genomics); PubMed 15031030 (cited by Pathway Genomics).